The following is an entry in ClinVar:

ClinVar aggregate classification (germline): Uncertain significance (1 of 4 stars; one submission).

Submission:

Labcorp Genetics (formerly Invitae), Labcorp
Classification: Uncertain significance. Last evaluated: 2020-03-14. Review status: criteria provided, single submitter. Criteria: Invitae Variant Classification Sherloc (09022015). Collection method: clinical testing. Allele origin: germline.
Comment: In summary, the available evidence is currently insufficient to determine the role of this variant in disease. Therefore, it has been classified as a Variant of Uncertain Significance. Algorithms developed to predict the effect of missense changes on protein structure and function are either unavailable or do not agree on the potential impact of this missense change (SIFT: "Deleterious"; PolyPhen-2: "Probably Damaging"; Align-GVGD: "Class C15"). This variant has not been reported in the literature in individuals with POLE-related conditions. This variant is not present in population databases (ExAC no frequency). This sequence change replaces threonine with lysine at codon 1875 of the POLE protein (p.Thr1875Lys). The threonine residue is highly conserved and there is a moderate physicochemical difference between threonine and lysine.

NM_006231.4(POLE):c.5624C>A (p.Thr1875Lys)

Gene: POLE (DNA polymerase epsilon, catalytic subunit; minus strand). Cytogenetic location: 12q24.33.
Variant type: single nucleotide variant.
Coding change: c.5624C>A on transcript NM_006231.4 (MANE Select); coding-DNA position 5624, C replaced by A.
Protein change: p.Thr1875Lys; replaces threonine 1875 with lysine.
Molecular consequence: missense variant.
Genome position (GRCh38, 1-based): chr12:132,638,068, G>T on the plus strand (C>A on the coding strand, the complement: POLE is on the minus strand). VCF-style: chr12-132638068-G-T. GRCh37 (hg19) VCF-style: chr12-133214654-G-T.
Other names: short protein forms T1875K.
Identifiers: ClinVar variation 1006838 (VCV001006838.8), dbSNP rs2042069830, ClinGen allele CA387374073.